The following is an entry in ClinVar:

ClinVar aggregate classification (germline): Uncertain significance (0 of 4 stars; one submission).

Submission:

Martin Pollak Laboratory,  Beth Israel Deaconess Medical Center
Classification: Uncertain significance. Review status: no assertion criteria provided. Collection method: not provided. Allele origin: unknown.
Comment: Lower UCa2+ group
ClinVar note: Converted during submission from unknown to Uncertain significance.

NM_001288772.2(PIK3C2G):c.3816A>G (p.Glu1272=)

Gene: PIK3C2G (phosphatidylinositol-4-phosphate 3-kinase catalytic subunit type 2 gamma; plus strand). Cytogenetic location: 12p12.3.
Variant type: single nucleotide variant.
Coding change: c.3816A>G on transcript NM_001288772.2 (MANE Select); coding-DNA position 3816, A replaced by G.
Protein change: p.Glu1272=; no amino-acid change (glutamic acid 1272 retained).
Molecular consequence: synonymous variant.
Genome position (GRCh38, 1-based): chr12:18,563,412, A>G. VCF-style: chr12-18563412-A-G. GRCh37 (hg19) VCF-style: chr12-18716346-A-G.
Other names: c.3150A>G, p.Glu1050= (NM_001288774.2); c.3693A>G, p.Glu1231= (NM_004570.6).
Identifiers: ClinVar variation 64533 (VCV000064533.2), dbSNP rs387907450, ClinGen allele CA216351.